The following is an entry in ClinVar:

ClinVar aggregate classification (germline): Benign/Likely benign. Review status: criteria provided, multiple submitters, no conflicts (2 of 4 stars). 3 submissions from 3 submitters: Benign (1); Likely benign (2). Last evaluated 2025-07-08.

Conditions:
Hereditary cancer-predisposing syndrome. Also called: Tumor predisposition; Hereditary neoplastic syndrome; Hereditary Cancer Syndrome; Neoplastic Syndromes, Hereditary. Identifiers: Orphanet 140162, MedGen C0027672, MeSH D009386, MONDO:0015356.
Renal cell carcinoma. Identifiers: Orphanet 217071, MedGen C0007134, MeSH D002292, MONDO:0005086, HP:0005584.
Papillary renal cell carcinoma type 1 (RCCP1). Also called: RENAL CELL CARCINOMA, PAPILLARY, 1, SOMATIC; Renal adenocarcinoma; Renal cell carcinoma 1; Renal cell carcinoma, somatic. Identifiers: Orphanet 47044, MedGen C1336839, OMIM 605074, HP:0011797.

Allele frequency attached by ClinVar (database versions not stated): gnomAD exomes below 0.00001.
gnomAD v4.1: 1 of 1,614,084 alleles (0.000062%); highest among the groups gnomAD compares: East Asian, 0.0022%; no homozygotes.

Submissions (3):

Labcorp Genetics (formerly Invitae), Labcorp
Classification: Likely benign for Renal cell carcinoma. Last evaluated: 2025-07-08. Review status: criteria provided, single submitter. Criteria: Invitae Variant Classification Sherloc (09022015). Collection method: clinical testing. Allele origin: germline.

Myriad Genetics, Inc.
Classification: Benign for Papillary renal cell carcinoma type 1. Last evaluated: 2024-11-14. Review status: criteria provided, single submitter. Criteria: Myriad Autosomal Dominant, Autosomal Recessive and X-Linked Classification Criteria (2023). Collection method: clinical testing. Allele origin: unknown.
Comment: This variant is considered benign. This variant is a silent/synonymous amino acid change and it is not expected to impact splicing.

Ambry Genetics
Classification: Likely benign for Hereditary cancer-predisposing syndrome. Last evaluated: 2020-06-02. Review status: criteria provided, single submitter. Criteria: Ambry Variant Classification Scheme 2023. Collection method: clinical testing. Allele origin: germline.

NM_000245.4(MET):c.3765G>A (p.Leu1255=)

Gene: MET (MET proto-oncogene, receptor tyrosine kinase; plus strand). Cytogenetic location: 7q31.2.
Variant type: single nucleotide variant.
Coding change: c.3765G>A on transcript NM_000245.4 (MANE Select); coding-DNA position 3765, G replaced by A.
Protein change: p.Leu1255=; no amino-acid change (leucine 1255 retained).
Molecular consequence: synonymous variant.
Genome position (GRCh38, 1-based): chr7:116,783,436, G>A. VCF-style: chr7-116783436-G-A. GRCh37 (hg19) VCF-style: chr7-116423490-G-A.
Other names: c.3819G>A, p.Leu1273= (NM_001127500.3); c.2475G>A, p.Leu825= (NM_001324402.2).
Identifiers: ClinVar variation 784852 (VCV000784852.14), dbSNP rs1584965685, ClinGen allele CA457219527.